The following is an entry in ClinVar:

NM_014140.4(SMARCAL1):c.1000C>T (p.Arg334Ter)

Gene: SMARCAL1 (SNF2 related chromatin remodeling annealing helicase 1; plus strand). Cytogenetic location: 2q35.
Variant type: single nucleotide variant.
Coding change: c.1000C>T on transcript NM_014140.4 (MANE Select); coding-DNA position 1000, C replaced by T.
Protein change: p.Arg334Ter; replaces arginine 334 with a stop codon.
Molecular consequence: nonsense.
Genome position (GRCh38, 1-based): chr2:216,420,436, C>T. VCF-style: chr2-216420436-C-T. GRCh37 (hg19) VCF-style: chr2-217285159-C-T.
Other names: c.1000C>T, p.Arg334Ter (NM_001127207.2); c.1000C>T (NM_014140.3); short protein forms R334*.
Identifiers: ClinVar variation 1073208 (VCV001073208.14), dbSNP rs758888999, ClinGen allele CA350498532.

ClinVar aggregate classification (germline): Pathogenic. Review status: criteria provided, multiple submitters, no conflicts (2 of 4 stars). 3 submissions from 3 submitters: Pathogenic (3). Last evaluated 2025-10-21.

Conditions:
Schimke immuno-osseous dysplasia (SIOD). Also called: Schimke Immunoosseous Dysplasia. Identifiers: Orphanet 1830, MedGen C0877024, MONDO:0009458, OMIM 242900.

Submissions (3):

Natera, Inc.
Classification: Pathogenic for Schimke immuno-osseous dysplasia. Last evaluated: 2025-10-21. Review status: criteria provided, single submitter. Criteria: Natera Variant Classification Schema (03/2026). Collection method: clinical testing. Allele origin: germline.
Comment: The c.1000C>T variant in SMARCAL1 is a nonsense variant predicted to introduce a stop codon at amino acid 334. This variant is expected to result in nonsense mediated decay, truncation, or a dysfunctional protein product. This variant is rare in the general population with a frequency below the threshold expected for the associated phenotype(s). This variant has been observed in one or more individuals affected with the associated recessive disease, as either homozygous or compound heterozygous with a second variant (PMID: 22998683). Given the available evidence, this variant is classified as Pathogenic.

Fulgent Genetics
Classification: Pathogenic for Schimke immuno-osseous dysplasia. Last evaluated: 2024-03-20. Review status: criteria provided, single submitter. Criteria: ACMG Guidelines, 2015. Collection method: clinical testing. Allele origin: germline.

Labcorp Genetics (formerly Invitae), Labcorp
Classification: Pathogenic for Schimke immuno-osseous dysplasia. Last evaluated: 2023-02-16. Review status: criteria provided, single submitter. Criteria: Invitae Variant Classification Sherloc (09022015). Collection method: clinical testing. Allele origin: germline.
Comment: For these reasons, this variant has been classified as Pathogenic. ClinVar contains an entry for this variant (Variation ID: 1073208). This premature translational stop signal has been observed in individual(s) with Schimke immunoosseous dysplasia (PMID: 17089404, 22998683). This variant is not present in population databases (gnomAD no frequency). This sequence change creates a premature translational stop signal (p.Arg334*) in the SMARCAL1 gene. It is expected to result in an absent or disrupted protein product. Loss-of-function variants in SMARCAL1 are known to be pathogenic (PMID: 11799392, 20301550).

Literature cited by the submitters: PubMed 22998683 (cited by Natera, Inc. and Labcorp Genetics (formerly Invitae), Labcorp); PubMed 17089404 (cited by Labcorp Genetics (formerly Invitae), Labcorp); PubMed 11799392 (cited by Labcorp Genetics (formerly Invitae), Labcorp); PubMed 20301550 (cited by Labcorp Genetics (formerly Invitae), Labcorp).